The following is an entry in ClinVar:

ClinVar aggregate classification (germline): Uncertain significance (1 of 4 stars; one submission).

Conditions:
Anterior segment dysgenesis. Also called: Ocular anterior segment dysgenesis. Identifiers: Orphanet 88632, MedGen C1862839, MONDO:0019503, HP:0007700.
Congenital primary aphakia. Also called: Anterior segment dysgenesis 2, multiple subtypes; ANTERIOR SEGMENT DYSGENESIS 2. Identifiers: Orphanet 83461, MedGen C1853230, MONDO:0012456, OMIM 610256.

Submission:

Labcorp Genetics (formerly Invitae), Labcorp
Classification: Uncertain significance for Anterior segment dysgenesis; Congenital primary aphakia. Last evaluated: 2025-10-15. Review status: criteria provided, single submitter. Criteria: Invitae Variant Classification Sherloc (09022015). Collection method: clinical testing. Allele origin: germline.
Comment: This sequence change affects codon 173 of the FOXE3 mRNA. It is a 'silent' change, meaning that it does not change the encoded amino acid sequence of the FOXE3 protein. This variant is present in population databases (rs577539007, gnomAD 0.02%). This variant has not been reported in the literature in individuals affected with FOXE3-related conditions. In summary, the available evidence is currently insufficient to determine the role of this variant in disease. Therefore, it has been classified as a Variant of Uncertain Significance.

NM_012186.3(FOXE3):c.519C>G (p.Pro173=)

Genes: FOXE3 (forkhead box E3; plus strand), LINC01389 (long independently transcribed non-coding RNA 1389; minus strand). Cytogenetic location: 1p33.
Variant type: single nucleotide variant.
Coding change: c.519C>G on transcript NM_012186.3 (MANE Select); coding-DNA position 519, C replaced by G.
Protein change: p.Pro173=; no amino-acid change (proline 173 retained).
Molecular consequence: synonymous variant.
Genome position (GRCh38, 1-based): chr1:47,416,834, C>G. VCF-style: chr1-47416834-C-G. GRCh37 (hg19) VCF-style: chr1-47882506-C-G.
Identifiers: ClinVar variation 4792317 (VCV004792317.1).